The following is an entry in ClinVar:

ClinVar aggregate classification (germline): Likely pathogenic (1 of 4 stars; one submission).

Conditions:
Febrile seizures, familial, 8 (FEB8). Also called: CONVULSIONS, FAMILIAL FEBRILE, 8. Identifiers: Orphanet 36387, MedGen C1969810, MONDO:0011891, OMIM 607681.

Submission:

Department of Neurology, Zibo Changguo Hospital
Classification: Likely pathogenic for Febrile seizures, familial, 8. Last evaluated: 2025-01-08. Review status: criteria provided, single submitter. Criteria: ACMG Guidelines, 2015. Collection method: clinical testing. Allele origin: de novo. Inheritance: Autosomal dominant inheritance. Affected: yes.
Comment: PP3_Strong, PM2_Supporting, PM6

NM_198904.4(GABRG2):c.434T>A (p.Ile145Asn)

Gene: GABRG2 (gamma-aminobutyric acid type A receptor subunit gamma2; plus strand). Cytogenetic location: 5q34.
Variant type: single nucleotide variant.
Coding change: c.434T>A on transcript NM_198904.4 (MANE Select); coding-DNA position 434, T replaced by A.
Protein change: p.Ile145Asn; replaces isoleucine 145 with asparagine.
Molecular consequence: missense variant.
Genome position (GRCh38, 1-based): chr5:162,097,744, T>A. VCF-style: chr5-162097744-T-A. GRCh37 (hg19) VCF-style: chr5-161524750-T-A.
Other names: c.434T>A, p.Ile145Asn (NM_000816.3, NM_001375340.1, NM_001375341.1 and 4 more transcripts); c.425T>A, p.Ile142Asn (NM_001375339.1); c.368T>A, p.Ile123Asn (NM_001375345.1, NM_001375346.1); c.347T>A, p.Ile116Asn (NM_001375347.1); c.14T>A, p.Ile5Asn (NM_001375348.1, NM_001375350.1); c.149T>A, p.Ile50Asn (NM_001375349.1); short protein forms I116N, I123N, I142N, I145N, I50N, I5N.
Identifiers: ClinVar variation 3770197 (VCV003770197.1).